The following is an entry in ClinVar:

ClinVar aggregate classification (germline): Uncertain significance (1 of 4 stars; one submission).

gnomAD v4.1: 3 of 1,241,788 alleles (0.00024%); highest among the groups gnomAD compares: Non-Finnish European, 0.0003%; no homozygotes.

Submission:

GeneDx
Classification: Uncertain significance. Last evaluated: 2023-12-20. Review status: criteria provided, single submitter. Criteria: GeneDx Variant Classification Process June 2021. Collection method: clinical testing. Allele origin: germline. Affected: yes.
Comment: Not observed at significant frequency in large population cohorts (gnomAD); In silico analysis supports that this missense variant does not alter protein structure/function; Has not been previously published as pathogenic or benign to our knowledge; Variants in candidate genes are classified as variants of uncertain significance in accordance with ACMG guidelines (PMID: 25741868)

NM_000718.4(CACNA1B):c.2701G>A (p.Glu901Lys)

Gene: CACNA1B (calcium voltage-gated channel subunit alpha1 B; plus strand). Cytogenetic location: 9q34.3.
Variant type: single nucleotide variant.
Coding change: c.2701G>A on transcript NM_000718.4 (MANE Select); coding-DNA position 2701, G replaced by A.
Protein change: p.Glu901Lys; replaces glutamic acid 901 with lysine.
Molecular consequence: missense variant.
Genome position (GRCh38, 1-based): chr9:138,023,444, G>A. VCF-style: chr9-138023444-G-A. GRCh37 (hg19) VCF-style: chr9-140917896-G-A.
Other names: c.2701G>A, p.Glu901Lys (NM_001243812.2); short protein forms E901K.
Identifiers: ClinVar variation 3365581 (VCV003365581.1).